The following is an entry in ClinVar:

NM_024570.4(RNASEH2B):c.510+1G>A

Gene: RNASEH2B (ribonuclease H2 subunit B; plus strand). Cytogenetic location: 13q14.3.
Variant type: single nucleotide variant.
Coding change: c.510+1G>A on transcript NM_024570.4 (MANE Select); the canonical splice donor site of the intron after coding-DNA position 510, G replaced by A.
Molecular consequence: splice donor variant.
Genome position (GRCh38, 1-based): chr13:50,943,395, G>A. VCF-style: chr13-50943395-G-A. GRCh37 (hg19) VCF-style: chr13-51517531-G-A.
Other names: c.510+1G>A (NM_001142279.2, NM_001411023.1).
Identifiers: ClinVar variation 650490 (VCV000650490.12), dbSNP rs77301371, ClinGen allele CA249998008.

ClinVar aggregate classification (germline): Pathogenic. Review status: criteria provided, multiple submitters, no conflicts (2 of 4 stars). 3 submissions from 3 submitters: Pathogenic (3). Last evaluated 2026-01-28.

Conditions:
Aicardi-Goutieres syndrome 2. Identifiers: Orphanet 51, MedGen C3489724, MONDO:0012429, OMIM 610181.

Allele frequency attached by ClinVar (database versions not stated): gnomAD exomes below 0.00001 and 0.00005; gnomAD 0.00001 and 0.00002; TOPMed 0.00002.
gnomAD v4.1: 71 of 1,592,302 alleles (0.0045%); highest among the groups gnomAD compares: Non-Finnish European, 0.0059%; no homozygotes.

Submissions (3):

Labcorp Genetics (formerly Invitae), Labcorp
Classification: Pathogenic for Aicardi-Goutieres syndrome 2. Last evaluated: 2026-01-28. Review status: criteria provided, single submitter. Criteria: Invitae Variant Classification Sherloc (09022015). Collection method: clinical testing. Allele origin: germline.
Comment: This sequence change affects a donor splice site in intron 6 of the RNASEH2B gene. It is expected to disrupt RNA splicing. Variants that disrupt the donor or acceptor splice site typically lead to a loss of protein function (PMID: 16199547), and loss-of-function variants in RNASEH2B are known to be pathogenic (PMID: 17846997). This variant is present in population databases (rs77301371, gnomAD 0.002%). Disruption of this splice site has been observed in individual(s) with Aicardi-Goutieres syndrome (PMID: 16845400). In at least one individual the data is consistent with being in trans (on the opposite chromosome) from a pathogenic variant. This variant is also known as IVS510+1G>A. ClinVar contains an entry for this variant (Variation ID: 650490). Algorithms developed to predict the effect of sequence changes on RNA splicing suggest that this variant may disrupt the consensus splice site. For these reasons, this variant has been classified as Pathogenic.

Fulgent Genetics
Classification: Pathogenic for Aicardi-Goutieres syndrome 2. Last evaluated: 2024-05-02. Review status: criteria provided, single submitter. Criteria: ACMG Guidelines, 2015. Collection method: clinical testing. Allele origin: germline.

GeneDx
Classification: Pathogenic. Last evaluated: 2024-04-01. Review status: criteria provided, single submitter. Criteria: GeneDx Variant Classification Process June 2021. Collection method: clinical testing. Allele origin: germline. Affected: yes.
Comment: Canonical splice site variant predicted to result in a null allele in a gene for which loss of function is a known mechanism of disease; Not observed at significant frequency in large population cohorts (gnomAD); This variant is associated with the following publications: (PMID: 25525159, 33307271, 27943079, 16845400)

Literature cited by the submitters: PubMed 16199547 (cited by Labcorp Genetics (formerly Invitae), Labcorp); PubMed 17846997 (cited by Labcorp Genetics (formerly Invitae), Labcorp); PubMed 16845400 (cited by Labcorp Genetics (formerly Invitae), Labcorp).